The following is an entry in ClinVar:

ClinVar aggregate classification (germline): Uncertain significance. Review status: criteria provided, multiple submitters, no conflicts (2 of 4 stars). 2 submissions from 2 submitters: Uncertain significance (2). Last evaluated 2026-01-02.

Conditions:
Inborn genetic diseases. Identifiers: MedGen C0950123, MeSH D030342.
Dyskeratosis congenita, autosomal dominant 6 (DKCA6). Identifiers: Orphanet 3322, MedGen C4225284, MONDO:0014690, OMIM 616553.

Allele frequency attached by ClinVar (database versions not stated): gnomAD exomes below 0.00001.
gnomAD v4.1: 1 of 1,613,052 alleles (0.000062%); highest among the groups gnomAD compares: Non-Finnish European, 0.000085%; no homozygotes.

Submissions (2):

Labcorp Genetics (formerly Invitae), Labcorp
Classification: Uncertain significance for Dyskeratosis congenita, autosomal dominant 6. Last evaluated: 2026-01-02. Review status: criteria provided, single submitter. Criteria: Invitae Variant Classification Sherloc (09022015). Collection method: clinical testing. Allele origin: germline.
Comment: This sequence change replaces proline, which is neutral and non-polar, with leucine, which is neutral and non-polar, at codon 222 of the ACD protein (p.Pro222Leu). This variant is not present in population databases (gnomAD no frequency). This variant has not been reported in the literature in individuals affected with ACD-related conditions. ClinVar contains an entry for this variant (Variation ID: 3232680). Invitae Evidence Modeling of protein sequence and biophysical properties (such as structural, functional, and spatial information, amino acid conservation, physicochemical variation, residue mobility, and thermodynamic stability) indicates that this missense variant is not expected to disrupt ACD protein function with a negative predictive value of 80%. In summary, the available evidence is currently insufficient to determine the role of this variant in disease. Therefore, it has been classified as a Variant of Uncertain Significance.

Ambry Genetics
Classification: Uncertain significance for Inborn genetic diseases. Last evaluated: 2024-02-28. Review status: criteria provided, single submitter. Criteria: Ambry Variant Classification Scheme 2023. Collection method: clinical testing. Allele origin: germline.
Comment: The p.P222L variant (also known as c.665C>T), located in coding exon 4 of the ACD gene, results from a C to T substitution at nucleotide position 665. The proline at codon 222 is replaced by leucine, an amino acid with similar properties. This amino acid position is conserved. In addition, this alteration is predicted to be tolerated by in silico analysis. Based on the available evidence, the clinical significance of this alteration remains unclear.

NM_001082486.2(ACD):c.407C>T (p.Pro136Leu)

Gene: ACD (ACD shelterin complex subunit and telomerase recruitment factor; minus strand). Cytogenetic location: 16q22.1.
Variant type: single nucleotide variant.
Coding change: c.407C>T on transcript NM_001082486.2 (MANE Select); coding-DNA position 407, C replaced by T.
Protein change: p.Pro136Leu; replaces proline 136 with leucine.
Molecular consequence: missense variant.
Genome position (GRCh38, 1-based): chr16:67,659,543, G>A on the plus strand (C>T on the coding strand, the complement: ACD is on the minus strand). VCF-style: chr16-67659543-G-A. GRCh37 (hg19) VCF-style: chr16-67693446-G-A.
Other names: c.407C>T, p.Pro136Leu (NM_001410884.1); c.398C>T, p.Pro133Leu (NM_022914.3); short protein forms P133L, P136L.
Identifiers: ClinVar variation 3232680 (VCV003232680.2), dbSNP rs2543607819, ClinGen allele CA396355147.